The following is an entry in ClinVar:

NM_004006.3(DMD):c.1438G>T (p.Gly480Ter)

Gene: DMD (dystrophin; minus strand). Cytogenetic location: Xp21.1.
Variant type: single nucleotide variant.
Coding change: c.1438G>T on transcript NM_004006.3 (MANE Select); coding-DNA position 1438, G replaced by T.
Protein change: p.Gly480Ter; replaces glycine 480 with a stop codon.
Molecular consequence: nonsense.
Genome position (GRCh38, 1-based): chrX:32,614,347, C>A on the plus strand (G>T on the coding strand, the complement: DMD is on the minus strand). VCF-style: chrX-32614347-C-A. GRCh37 (hg19) VCF-style: chrX-32632464-C-A.
Other names: c.1414G>T, p.Gly472Ter (NM_000109.4); c.1426G>T, p.Gly476Ter (NM_004009.3); c.1069G>T, p.Gly357Ter (NM_004010.3); short protein forms G480*, G357*, G476*, G472*.
Identifiers: ClinVar variation 11246 (VCV000011246.6), dbSNP rs128626240, ClinGen allele CA121417.
Genomic context (GRCh38, chrX:32,614,347, plus strand): 5'-CATAAGATACACCTACCTTATGTTGTTGTACTTGGCGTTTTAGGTCTTCAAGATCAGGTC[C>A]AAGAGGCTCTTCCTCCATTTTCCTTGTTCTTTCTTCTGTTTTTGTTAGCCAGTCATTCAA-3'

ClinVar aggregate classification (germline): Pathogenic. Review status: criteria provided, single submitter (1 of 4 stars). 2 submissions from 2 submitters: Pathogenic (1). 1 of the submissions does not count toward it. Last evaluated 2023-02-10.

Conditions:
Intermediate muscular dystrophy. Identifiers: MedGen C4016477.
Duchenne muscular dystrophy (DMD). Also called: MUSCULAR DYSTROPHY, PSEUDOHYPERTROPHIC PROGRESSIVE, DUCHENNE TYPE; Duchenne Muscular Dystrophy (DMD). Identifiers: Orphanet 98896, MedGen C0013264, MONDO:0010679, OMIM 310200.

Submissions (2):

Labcorp Genetics (formerly Invitae), Labcorp
Classification: Pathogenic for Duchenne muscular dystrophy. Last evaluated: 2023-02-10. Review status: criteria provided, single submitter. Criteria: Invitae Variant Classification Sherloc (09022015). Collection method: clinical testing. Allele origin: germline.
Comment: This sequence change creates a premature translational stop signal (p.Gly480*) in the DMD gene. It is expected to result in an absent or disrupted protein product. Loss-of-function variants in DMD are known to be pathogenic (PMID: 16770791, 25007885). This variant is not present in population databases (gnomAD no frequency). This premature translational stop signal has been observed in individual(s) with DMD-related conditions (PMID: 7951253, 26968818). This variant is also known as c.1646G>T. ClinVar contains an entry for this variant (Variation ID: 11246). For these reasons, this variant has been classified as Pathogenic.

OMIM
Classification: Pathogenic for INTERMEDIATE MUSCULAR DYSTROPHY. Last evaluated: 1994-03-01. Review status: no assertion criteria provided. Collection method: literature only. Allele origin: germline. Not counted in ClinVar's aggregate classification.

Literature cited by the submitters: PubMed 16770791 (cited by Labcorp Genetics (formerly Invitae), Labcorp); PubMed 25007885 (cited by Labcorp Genetics (formerly Invitae), Labcorp); PubMed 7951253 (cited by Labcorp Genetics (formerly Invitae), Labcorp); PubMed 26968818 (cited by Labcorp Genetics (formerly Invitae), Labcorp); PubMed 8160755 (cited by OMIM).